The following is an entry in ClinVar:

ClinVar aggregate classification (germline): Uncertain significance (1 of 4 stars; one submission).

Conditions:
Tumor predisposition syndrome 3 (TPDS3). Also called: Glioma susceptibility 9; LONG TELOMERE SYNDROME, POT1-RELATED; POT1 Tumor Predisposition; Melanoma, cutaneous malignant, susceptibility to, 10. Identifiers: Orphanet 618, MedGen C4014476, MONDO:0014368, OMIM 615848.

Submission:

Labcorp Genetics (formerly Invitae), Labcorp
Classification: Uncertain significance for Tumor predisposition syndrome 3. Last evaluated: 2024-01-13. Review status: criteria provided, single submitter. Criteria: Invitae Variant Classification Sherloc (09022015). Collection method: clinical testing. Allele origin: germline.
Comment: This sequence change replaces aspartic acid, which is acidic and polar, with valine, which is neutral and non-polar, at codon 129 of the POT1 protein (p.Asp129Val). This variant is not present in population databases (gnomAD no frequency). This variant has not been reported in the literature in individuals affected with POT1-related conditions. Advanced modeling of protein sequence and biophysical properties (such as structural, functional, and spatial information, amino acid conservation, physicochemical variation, residue mobility, and thermodynamic stability) performed at Invitae indicates that this missense variant is not expected to disrupt POT1 protein function with a negative predictive value of 80%. In summary, the available evidence is currently insufficient to determine the role of this variant in disease. Therefore, it has been classified as a Variant of Uncertain Significance.

NM_015450.3(POT1):c.386A>T (p.Asp129Val)

Gene: POT1 (protection of telomeres 1; minus strand). Cytogenetic location: 7q31.33.
Variant type: single nucleotide variant.
Coding change: c.386A>T on transcript NM_015450.3 (MANE Select); coding-DNA position 386, A replaced by T.
Protein change: p.Asp129Val; replaces aspartic acid 129 with valine.
Molecular consequence: missense variant. On other transcripts: 5 prime UTR variant (1), non-coding transcript variant (3).
Genome position (GRCh38, 1-based): chr7:124,863,510, T>A on the plus strand (A>T on the coding strand, the complement: POT1 is on the minus strand). VCF-style: chr7-124863510-T-A. GRCh37 (hg19) VCF-style: chr7-124503564-T-A.
Other names: c.-8A>T (NM_001042594.2); short protein forms D129V.
Identifiers: ClinVar variation 2709216 (VCV002709216.3), dbSNP rs2116542079, ClinGen allele CA369059633.